The following is an entry in ClinVar:

ClinVar aggregate classification (germline): Uncertain significance. Review status: criteria provided, multiple submitters, no conflicts (2 of 4 stars). 2 submissions from 2 submitters: Uncertain significance (2). Last evaluated 2025-08-14.

Submissions (2):

Ambry Genetics
Classification: Uncertain significance. Last evaluated: 2025-08-14. Review status: criteria provided, single submitter. Criteria: Ambry Variant Classification Scheme 2023. Collection method: clinical testing. Allele origin: germline.

Labcorp Genetics (formerly Invitae), Labcorp
Classification: Uncertain significance. Last evaluated: 2024-09-14. Review status: criteria provided, single submitter. Criteria: Invitae Variant Classification Sherloc (09022015). Collection method: clinical testing. Allele origin: germline.
Comment: This sequence change replaces glutamic acid, which is acidic and polar, with aspartic acid, which is acidic and polar, at codon 49 of the ARIH1 protein (p.Glu49Asp). The frequency data for this variant in the population databases is considered unreliable, as metrics indicate poor data quality at this position in the gnomAD database. This variant has not been reported in the literature in individuals affected with ARIH1-related conditions. Experimental studies and prediction algorithms are not available or were not evaluated, and the functional significance of this variant is currently unknown. In summary, the available evidence is currently insufficient to determine the role of this variant in disease. Therefore, it has been classified as a Variant of Uncertain Significance.

NM_005744.5(ARIH1):c.147G>T (p.Glu49Asp)

Gene: ARIH1 (ariadne RBR E3 ubiquitin protein ligase 1; plus strand). Cytogenetic location: 15q24.1.
Variant type: single nucleotide variant.
Coding change: c.147G>T on transcript NM_005744.5 (MANE Select); coding-DNA position 147, G replaced by T.
Protein change: p.Glu49Asp; replaces glutamic acid 49 with aspartic acid.
Molecular consequence: missense variant.
Genome position (GRCh38, 1-based): chr15:72,474,786, G>T. VCF-style: chr15-72474786-G-T. GRCh37 (hg19) VCF-style: chr15-72767127-G-T.
Other names: c.147G>T (NM_005744.3); short protein forms E49D.
Identifiers: ClinVar variation 3615765 (VCV003615765.3).
Genomic context (GRCh38, chr15:72,474,786, plus strand): 5'-CGAAGACGACGACGAGCCGGACGATGATACCCTGGATCTGGGCGAGGTGGAGCTGGTGGA[G>T]CCCGGGCTGGGCGTCGGCGGGGAGCGGGACGGACTGCTGTGCGGGGAGACGGGCGGTGGC-3'
Protein context (NP_005735.2, residues 39-59): TLDLGEVELV[Glu49Asp]PGLGVGGERD